The following is an entry in ClinVar:

NM_138694.4(PKHD1):c.5176G>T (p.Ala1726Ser)

Genes: PKHD1 (PKHD1 ciliary IPT domain containing fibrocystin/polyductin; minus strand), LOC126859690 (MED14-independent group 3 enhancer GRCh37_chr6:51888848-51890047; plus strand). Cytogenetic location: 6p12.2.
Variant type: single nucleotide variant.
Coding change: c.5176G>T on transcript NM_138694.4 (MANE Select); coding-DNA position 5176, G replaced by T.
Protein change: p.Ala1726Ser; replaces alanine 1726 with serine.
Molecular consequence: missense variant.
Genome position (GRCh38, 1-based): chr6:52,024,634, C>A on the plus strand (G>T on the coding strand, the complement: PKHD1 is on the minus strand). VCF-style: chr6-52024634-C-A. GRCh37 (hg19) VCF-style: chr6-51889432-C-A.
Other names: c.5176G>T, p.Ala1726Ser (NM_170724.3); short protein forms A1726S.
Identifiers: ClinVar variation 2617633 (VCV002617633.4), dbSNP rs753112355, ClinGen allele CA3852595.

ClinVar aggregate classification (germline): Uncertain significance. Review status: criteria provided, multiple submitters, no conflicts (2 of 4 stars). 3 submissions from 3 submitters: Uncertain significance (3). Last evaluated 2026-03-11.

Conditions:
PKHD1-related disorder. Also called: PKHD1-related condition.
Inborn genetic diseases. Identifiers: MedGen C0950123, MeSH D030342.

Allele frequency attached by ClinVar (database versions not stated): gnomAD exomes 0.00001; TOPMed 0.00002; ExAC 0.00003.
gnomAD v4.1: 20 of 1,614,162 alleles (0.0012%); highest among the groups gnomAD compares: East Asian, 0.042%; no homozygotes.

Submissions (3):

Women's Health and Genetics/Laboratory Corporation of America, LabCorp
Classification: Uncertain significance. Last evaluated: 2026-03-11. Review status: criteria provided, single submitter. Criteria: LabCorp Variant Classification Summary - May 2015. Collection method: clinical testing. Allele origin: germline.
Comment: Variant summary: PKHD1 c.5176G>T (p.Ala1726Ser) results in a conservative amino acid change in the encoded protein sequence. Algorithms developed to predict the effect of missense changes on protein structure and function are either unavailable or do not agree on the potential impact of this missense change. The variant allele was found at a frequency of 2.8e-05 in 251216 control chromosomes. The available data on variant occurrences in the general population are insufficient to allow any conclusion about variant significance. To our knowledge, no occurrence of c.5176G>T in individuals affected with PKHD1-related conditions and no experimental evidence demonstrating its impact on protein function have been reported. The following publications have been ascertained in the context of this evaluation (PMID: 38416847, 26395002). ClinVar contains an entry for this variant (Variation ID: 2617633). Based on the evidence outlined above, the variant was classified as uncertain significance.

PreventionGenetics, part of Exact Sciences
Classification: Uncertain significance for PKHD1-related condition. Last evaluated: 2024-12-18. Review status: criteria provided, single submitter. Criteria: ACMG Guidelines, 2015. Collection method: clinical testing. Allele origin: germline.
Comment: The PKHD1 c.5176G>T variant is predicted to result in the amino acid substitution p.Ala1726Ser. To our knowledge, this variant has not been reported in the literature. This variant is reported in 0.038% of alleles in individuals of East Asian descent in gnomAD. At this time, the clinical significance of this variant is uncertain due to the absence of conclusive functional and genetic evidence.

Ambry Genetics
Classification: Uncertain significance for Inborn genetic diseases. Last evaluated: 2023-08-08. Review status: criteria provided, single submitter. Criteria: Ambry Variant Classification Scheme 2023. Collection method: clinical testing. Allele origin: germline.

Literature cited by the submitters: PubMed 26395002 (cited by Women's Health and Genetics/Laboratory Corporation of America, LabCorp); PubMed 38416847 (cited by Women's Health and Genetics/Laboratory Corporation of America, LabCorp).